The following is an entry in ClinVar:

NM_004933.3(CDH15):c.*3C>T

Gene: CDH15 (cadherin 15; plus strand). Cytogenetic location: 16q24.3.
Variant type: single nucleotide variant.
Coding change: c.*3C>T on transcript NM_004933.3 (MANE Select); 3 bases downstream of the stop codon, C replaced by T.
Molecular consequence: 3 prime UTR variant.
Genome position (GRCh38, 1-based): chr16:89,195,158, C>T. VCF-style: chr16-89195158-C-T. GRCh37 (hg19) VCF-style: chr16-89261566-C-T.
Identifiers: ClinVar variation 2647047 (VCV002647047.24), dbSNP rs781182063, ClinGen allele CA8239681.

ClinVar aggregate classification (germline): Uncertain significance (1 of 4 stars; one submission).

Allele frequency attached by ClinVar (database versions not stated): ExAC 0.00001.
gnomAD v4.1: 1 of 1,579,310 alleles (0.000063%); highest among the groups gnomAD compares: Non-Finnish European, 0.000086%; no homozygotes.

Submission:

CeGaT Center for Human Genetics Tuebingen
Classification: Uncertain significance. Last evaluated: 2022-06-01. Review status: criteria provided, single submitter. Criteria: CeGaT Center For Human Genetics Tuebingen Variant Classification Criteria Version 2. Collection method: clinical testing. Allele origin: germline. Affected: yes. Observed: 1 variant allele.
Comment: CDH15: PM2